The following is an entry in ClinVar:

NM_001287.6(CLCN7):c.659_660inv (p.His220Arg)

Gene: CLCN7 (chloride voltage-gated channel 7; minus strand). Cytogenetic location: 16p13.3.
Variant type: Inversion.
Coding change: c.659_660inv on transcript NM_001287.6 (MANE Select).
Protein change: p.His220Arg; replaces histidine 220 with arginine.
Molecular consequence: missense variant.
Genome position: GRCh38 VCF-style: chr16-1459122-GT-AC. GRCh37 (hg19) VCF-style: chr16-1509123-GT-AC.
Other names: c.587_588inv, p.His196Arg (NM_001114331.3); short protein forms H220R, H196R.
Identifiers: ClinVar variation 1491533 (VCV001491533.6), ClinGen allele CA2573151739.
Genomic context (GRCh38, chr16:1,459,122, plus strand): 5'-AGAGCGGGCGCCCACCCTGCCCAGCCAGGGCCACCGCACCCTCACCTTGAGCCGCACCAC[GT>AC]GGGGGATCTTCACCCCGTTGAGGAAGCACTTGATCTGGGGGATTCCGCTGCCAGCAGCCA-3'
Protein context (NP_001278.1, residues 210-230): KCFLNGVKIP[His220Arg]VVRLKTLVIK

ClinVar aggregate classification (germline): Uncertain significance (1 of 4 stars; one submission).

Submission:

Labcorp Genetics (formerly Invitae), Labcorp
Classification: Uncertain significance. Last evaluated: 2020-12-05. Review status: criteria provided, single submitter. Criteria: Invitae Variant Classification Sherloc (09022015). Collection method: clinical testing. Allele origin: germline.
Comment: In summary, the available evidence is currently insufficient to determine the role of this variant in disease. Therefore, it has been classified as a Variant of Uncertain Significance. Algorithms developed to predict the effect of missense changes on protein structure and function are either unavailable or do not agree on the potential impact of this missense change (SIFT: "Not Available"; PolyPhen-2: "Benign"; Align-GVGD: "Not Available"). This variant has not been reported in the literature in individuals with CLCN7-related conditions. The frequency data for this variant in the population databases is not available, as this variant may be reported as separate entries in the ExAC database. This sequence change replaces histidine with arginine at codon 220 of the CLCN7 protein (p.His220Arg). The histidine residue is moderately conserved and there is a small physicochemical difference between histidine and arginine.